The following is an entry in ClinVar:

ClinVar aggregate classification (germline): Uncertain significance (1 of 4 stars; one submission).

Conditions:
Intellectual disability, CASK-related, X-linked. Identifiers: MedGen CN043158.

gnomAD v4.1: 2 of 1,208,534 alleles (0.00017%); highest among the groups gnomAD compares: Non-Finnish European, 0.00022%; no homozygotes.

Submission:

Labcorp Genetics (formerly Invitae), Labcorp
Classification: Uncertain significance for Intellectual disability, CASK-related, X-linked. Last evaluated: 2024-10-16. Review status: criteria provided, single submitter. Criteria: Invitae Variant Classification Sherloc (09022015). Collection method: clinical testing. Allele origin: germline.
Comment: This sequence change replaces histidine, which is basic and polar, with leucine, which is neutral and non-polar, at codon 758 of the CASK protein (p.His758Leu). This variant is not present in population databases (gnomAD no frequency). This variant has not been reported in the literature in individuals affected with CASK-related conditions. ClinVar contains an entry for this variant (Variation ID: 2125757). Invitae Evidence Modeling of protein sequence and biophysical properties (such as structural, functional, and spatial information, amino acid conservation, physicochemical variation, residue mobility, and thermodynamic stability) indicates that this missense variant is not expected to disrupt CASK protein function with a negative predictive value of 80%. In summary, the available evidence is currently insufficient to determine the role of this variant in disease. Therefore, it has been classified as a Variant of Uncertain Significance.

NM_001367721.1(CASK):c.2288A>T (p.His763Leu)

Gene: CASK (calcium/calmodulin dependent serine protein kinase; minus strand). Cytogenetic location: Xp11.4.
Variant type: single nucleotide variant.
Coding change: c.2288A>T on transcript NM_001367721.1 (MANE Select); coding-DNA position 2288, A replaced by T.
Protein change: p.His763Leu; replaces histidine 763 with leucine.
Molecular consequence: missense variant.
Genome position (GRCh38, 1-based): chrX:41,534,735, T>A on the plus strand (A>T on the coding strand, the complement: CASK is on the minus strand). VCF-style: chrX-41534735-T-A. GRCh37 (hg19) VCF-style: chrX-41393988-T-A.
Other names: c.2204A>T, p.His735Leu (NM_001126054.3); c.2201A>T, p.His734Leu (NM_001126055.3); c.2270A>T, p.His757Leu (NM_001410745.1); c.2273A>T, p.His758Leu (NM_003688.4); short protein forms H735L, H758L, H734L, H757L, H763L.
Identifiers: ClinVar variation 2125757 (VCV002125757.4), dbSNP rs746390137, ClinGen allele CA412991485.
Genomic context (GRCh38, chrX:41,534,735, plus strand): 5'-TATAATGAAAAGAGATTGAGACATTGCTTACGTGGAATAGGGTACGCAAACCGGTCTGGG[T>A]GCTTTGTGATGAGAGTGTTTTTTATGTGTCTTCTCCCAACACCATGTGCGCCTATGTCAT-3'
Protein context (NP_001354650.1, residues 753-773): RHIKNTLITK[His763Leu]PDRFAYPIPH